The following is an entry in ClinVar:

ClinVar aggregate classification (germline): Uncertain significance (1 of 4 stars; one submission).

gnomAD v4.1: 6 of 1,614,048 alleles (0.00037%); highest among the groups gnomAD compares: Non-Finnish European, 0.00042%; no homozygotes.

Submission:

Labcorp Genetics (formerly Invitae), Labcorp
Classification: Uncertain significance. Last evaluated: 2022-08-01. Review status: criteria provided, single submitter. Criteria: Invitae Variant Classification Sherloc (09022015). Collection method: clinical testing. Allele origin: germline.
Comment: In summary, the available evidence is currently insufficient to determine the role of this variant in disease. Therefore, it has been classified as a Variant of Uncertain Significance. Advanced modeling of protein sequence and biophysical properties (such as structural, functional, and spatial information, amino acid conservation, physicochemical variation, residue mobility, and thermodynamic stability) performed at Invitae indicates that this missense variant is expected to disrupt LRP5 protein function. This variant has not been reported in the literature in individuals affected with LRP5-related conditions. This variant is present in population databases (rs750784979, gnomAD 0.003%). This sequence change replaces alanine, which is neutral and non-polar, with serine, which is neutral and polar, at codon 375 of the LRP5 protein (p.Ala375Ser).

NM_002335.4(LRP5):c.1123G>T (p.Ala375Ser)

Gene: LRP5 (LDL receptor related protein 5; plus strand). Cytogenetic location: 11q13.2.
Variant type: single nucleotide variant.
Coding change: c.1123G>T on transcript NM_002335.4 (MANE Select); coding-DNA position 1123, G replaced by T.
Protein change: p.Ala375Ser; replaces alanine 375 with serine.
Molecular consequence: missense variant. On other transcripts: 5 prime UTR variant (1).
Genome position (GRCh38, 1-based): chr11:68,386,423, G>T. VCF-style: chr11-68386423-G-T. GRCh37 (hg19) VCF-style: chr11-68153891-G-T.
Other names: c.-643G>T (NM_001291902.2); short protein forms A375S.
Identifiers: ClinVar variation 2107445 (VCV002107445.4), dbSNP rs750784979, ClinGen allele CA6149254.
Genomic context (GRCh38, chr11:68,386,423, plus strand): 5'-ATCTCGCTGGACACGCCGGACTTCACCGACATCGTGCTGCAGGTGGACGACATCCGGCAC[G>T]CCATTGCCATCGACTACGACCCGCTAGAGGGCTATGTCTACTGGACAGATGACGAGGTGC-3'
Protein context (NP_002326.2, residues 365-385): IVLQVDDIRH[Ala375Ser]IAIDYDPLEG